The following is an entry in ClinVar:

ClinVar aggregate classification (germline): Uncertain significance (1 of 4 stars; one submission).

Submission:

CeGaT Center for Human Genetics Tuebingen
Classification: Uncertain significance. Last evaluated: 2025-02-01. Review status: criteria provided, single submitter. Criteria: CeGaT Center For Human Genetics Tuebingen Variant Classification Criteria Version 2. Collection method: clinical testing. Allele origin: germline. Affected: yes. Observed: 1 variant allele.
Comment: CLTC: PM2, PP2

NM_004859.4(CLTC):c.1103T>G (p.Phe368Cys)

Gene: CLTC (clathrin heavy chain; plus strand). Cytogenetic location: 17q23.1.
Variant type: single nucleotide variant.
Coding change: c.1103T>G on transcript NM_004859.4 (MANE Select); coding-DNA position 1103, T replaced by G.
Protein change: p.Phe368Cys; replaces phenylalanine 368 with cysteine.
Molecular consequence: missense variant.
Genome position (GRCh38, 1-based): chr17:59,660,524, T>G. VCF-style: chr17-59660524-T-G. GRCh37 (hg19) VCF-style: chr17-57737885-T-G.
Other names: c.1115T>G, p.Phe372Cys (NM_001288653.2); short protein forms F368C, F372C.
Identifiers: ClinVar variation 3772425 (VCV003772425.13).
Genomic context (GRCh38, chr17:59,660,524, plus strand): 5'-CTCTGAGAATGGCTGTACGTAATAACTTAGCCGGTGCTGAAGAACTCTTTGCCCGGAAAT[T>G]TAATGCTCTTTTTGCCCAGGGAAATTACTCGGAGGCAGCAAAGGTGGCTGCTAATGCACC-3'
Protein context (NP_004850.1, residues 358-378): AGAEELFARK[Phe368Cys]NALFAQGNYS